The following is an entry in ClinVar:

NM_000090.4(COL3A1):c.1295G>A (p.Gly432Asp)

Gene: COL3A1 (collagen type III alpha 1 chain; plus strand). Cytogenetic location: 2q32.2.
Variant type: single nucleotide variant.
Coding change: c.1295G>A on transcript NM_000090.4 (MANE Select); coding-DNA position 1295, G replaced by A.
Protein change: p.Gly432Asp; replaces glycine 432 with aspartic acid.
Molecular consequence: missense variant.
Genome position (GRCh38, 1-based): chr2:188,994,542, G>A. VCF-style: chr2-188994542-G-A. GRCh37 (hg19) VCF-style: chr2-189859268-G-A.
Other names: short protein forms G432D.
Identifiers: ClinVar variation 863790 (VCV000863790.12), dbSNP rs1688258933, ClinGen allele CA349851613.
Genomic context (GRCh38, chr2:188,994,542, plus strand): 5'-GTGATGATTTGTTAGTCGAATCCTCCCTGTGTTTCAACCAAGACTTTGTTATACTTTAGG[G>A]TGAGCCTGGTAAGAATGGTGCCAAAGGAGAGCCCGGACCACGTGGTGAACGCGTAAGTTT-3'
Protein context (NP_000081.2, residues 422-442): NGAPGLRGGA[Gly432Asp]EPGKNGAKGE

ClinVar aggregate classification (germline): Likely pathogenic. Review status: criteria provided, multiple submitters, no conflicts (2 of 4 stars). 2 submissions from 2 submitters: Likely pathogenic (2). Last evaluated 2025-03-23.

Conditions:
Ehlers-Danlos syndrome, type 4 (EDSVASC). Also called: Ehlers-Danlos Syndrome Type IV; Ehlers-Danlos syndrome vascular type; Ehlers Danlos syndrome, ecchymotic type; Ehlers Danlos syndrome, arterial type; Ehlers Danlos syndrome, Sack-Barabas type. Identifiers: Orphanet 286, MedGen C0268338, MONDO:0017314, OMIM 130050.
Familial thoracic aortic aneurysm and aortic dissection (TAAD). Also called: Thoracic aortic aneurysms and dissections. Identifiers: Orphanet 91387, MedGen C4707243, MONDO:0019625.

Submissions (2):

Labcorp Genetics (formerly Invitae), Labcorp
Classification: Likely pathogenic for Ehlers-Danlos syndrome, type 4. Last evaluated: 2025-03-23. Review status: criteria provided, single submitter. Criteria: Invitae Variant Classification Sherloc (09022015). Collection method: clinical testing. Allele origin: germline.
Comment: This sequence change replaces glycine, which is neutral and non-polar, with aspartic acid, which is acidic and polar, at codon 432 of the COL3A1 protein (p.Gly432Asp). This variant is not present in population databases (gnomAD no frequency). This missense change has been observed in individual(s) with clinical features of vascular Ehlers Danlos syndrome (PMID: 31126764). ClinVar contains an entry for this variant (Variation ID: 863790). Experimental studies and prediction algorithms are not available or were not evaluated, and the functional significance of this variant is currently unknown. This variant disrupts the triple helix domain of COL3A1. Glycine residues within the Gly-Xaa-Yaa repeats of the triple helix domain are required for the structure and stability of fibrillar collagens (PMID: 7695699, 8218237, 19344236). In COL3A1, variants that affect these glycine residues are significantly enriched in individuals with disease (PMID: 24922459, 25758994) compared to the general population (ExAC). In summary, the currently available evidence indicates that the variant is pathogenic, but additional data are needed to prove that conclusively. Therefore, this variant has been classified as Likely Pathogenic.

Ambry Genetics
Classification: Likely pathogenic for Familial thoracic aortic aneurysm and aortic dissection. Last evaluated: 2018-03-12. Review status: criteria provided, single submitter. Criteria: Ambry Variant Classification Scheme 2023. Collection method: clinical testing. Allele origin: germline.
Comment: The p.G432D variant (also known as c.1295G>A), located in coding exon 19 of the COL3A1 gene, results from a G to A substitution at nucleotide position 1295. The glycine at codon 432 is replaced by aspartic acid, an amino acid with similar properties. The majority (approximately two-thirds) of COL3A1 mutations identified to date have involved the substitution of another amino acid for glycine within the triple-helical domain (Pepin MG et al. Genet Med. 2014;16(12):881-8; Frank M et al. Eur J Hum Genet. 2015;23(12):1657-64). Internal structural analysis has demonstrated that this alteration disrupts the characteristic G-X-Y motif in the COL3A1 protein and inserts a bulky side chain into a sterically-constrained region (Bella J et al. Science. 1994;266:75-81; Hohenester E et al. Proc. Natl. Acad. Sci. U.S.A. 2008;105:18273-7; Ambry internal data). This amino acid position is highly conserved in available vertebrate species. In addition, this alteration is predicted to be deleterious by in silico analysis. Since supporting evidence is limited at this time, the clinical significance of this alteration remains unclear.

Literature cited by the submitters: PubMed 31126764 (cited by Labcorp Genetics (formerly Invitae), Labcorp); PubMed 7695699 (cited by Labcorp Genetics (formerly Invitae), Labcorp); PubMed 8218237 (cited by Labcorp Genetics (formerly Invitae), Labcorp); PubMed 19344236 (cited by Labcorp Genetics (formerly Invitae), Labcorp); PubMed 24922459 (cited by Labcorp Genetics (formerly Invitae), Labcorp); PubMed 25758994 (cited by Labcorp Genetics (formerly Invitae), Labcorp).